The following is an entry in ClinVar:

NM_001845.6(COL4A1):c.2244C>T (p.Pro748=)

Gene: COL4A1 (collagen type IV alpha 1 chain; minus strand). Cytogenetic location: 13q34.
Variant type: single nucleotide variant.
Coding change: c.2244C>T on transcript NM_001845.6 (MANE Select); coding-DNA position 2244, C replaced by T.
Protein change: p.Pro748=; no amino-acid change (proline 748 retained).
Molecular consequence: synonymous variant.
Genome position (GRCh38, 1-based): chr13:110,179,371, G>A on the plus strand (C>T on the coding strand, the complement: COL4A1 is on the minus strand). VCF-style: chr13-110179371-G-A. GRCh37 (hg19) VCF-style: chr13-110831718-G-A.
Other names: c.2244C>T (NM_001845.5).
Identifiers: ClinVar variation 1458341 (VCV001458341.35), dbSNP rs755340790, ClinGen allele CA7047659.

ClinVar aggregate classification (germline): Likely benign. Review status: criteria provided, multiple submitters, no conflicts (2 of 4 stars). 5 submissions from 5 submitters: Likely benign (5). Last evaluated 2026-06-28.

Conditions:
COL4A1-related disorder. Also called: COL4A1-related disorders; COL4A1-related condition. Identifiers: MedGen CN376119, MONDO:0800461.
Microangiopathy and leukoencephalopathy, pontine, autosomal dominant. Also called: Pontine autosomal dominant microangiopathy with leukoencephalopathy; DEMENTIA, HEREDITARY MULTI-INFARCT, SWEDISH TYPE. Identifiers: Orphanet 477749, MedGen C5231411, MONDO:0032814, OMIM 618564.
Autosomal dominant familial hematuria-retinal arteriolar tortuosity-contractures syndrome. Also called: Hereditary Angiopathy with Nephropathy, Aneurysms, and Muscle Cramps (HANAC) Syndrome; Angiopathy, hereditary, with nephropathy, aneurysms, and muscle cramps. Identifiers: Orphanet 73229, MedGen C2673195, MONDO:0012726, OMIM 611773.
Brain small vessel disease 1 with or without ocular anomalies (BSVD1). Also called: GOULD SYNDROME 1; Brain small vessel disease with or without ocular anomalies; BRAIN SMALL VESSEL DISEASE WITH HEMORRHAGE; PORENCEPHALY, TYPE 1, AUTOSOMAL DOMINANT. Identifiers: Orphanet 2940, Orphanet 36383, Orphanet 99810, MedGen C4755307, MONDO:0008289, OMIM 175780.
Hemorrhage, intracerebral, susceptibility to (ICH). Also called: Stroke, hemorrhagic, susceptibility to. Identifiers: MedGen C3281105, MONDO:0100533, OMIM 614519.
Retinal arterial tortuosity. Also called: Retinal arteries, tortuosity of; RETINAL HEMORRHAGE WITH VASCULAR TORTUOSITY. Identifiers: Orphanet 75326, MedGen C0423401, MONDO:0008373, OMIM 180000, HP:0000631.

Allele frequency attached by ClinVar (database versions not stated): gnomAD 0.00002 and 0.00003; TOPMed 0.00002; ExAC 0.00003; gnomAD exomes 0.00003 and 0.00005.
gnomAD v4.1: 53 of 1,613,962 alleles (0.0033%); highest among the groups gnomAD compares: East Asian, 0.04%; no homozygotes.

Submissions (5):

PreventionGenetics, part of Exact Sciences
Classification: Likely benign for COL4A1-related condition. Last evaluated: 2026-06-28. Review status: criteria provided, single submitter. Criteria: ACMG Guidelines, 2015. Collection method: clinical testing. Allele origin: germline.
Comment: This variant is classified as likely benign based on ACMG/AMP sequence variant interpretation guidelines (Richards et al. 2015 PMID: 25741868, with internal and published modifications).

Labcorp Genetics (formerly Invitae), Labcorp
Classification: Likely benign. Last evaluated: 2025-07-14. Review status: criteria provided, single submitter. Criteria: Invitae Variant Classification Sherloc (09022015). Collection method: clinical testing. Allele origin: germline.

Blueprint Genetics
Classification: Likely benign. Last evaluated: 2024-07-26. Review status: criteria provided, single submitter. Criteria: ACMG Guidelines, 2015. Collection method: clinical testing. Allele origin: germline.

CeGaT Center for Human Genetics Tuebingen
Classification: Likely benign. Last evaluated: 2023-02-01. Review status: criteria provided, single submitter. Criteria: CeGaT Center For Human Genetics Tuebingen Variant Classification Criteria Version 2. Collection method: clinical testing. Allele origin: germline. Affected: yes. Observed: 1 variant allele.
Comment: COL4A1: BP4, BP7

Fulgent Genetics
Classification: Likely benign for Brain small vessel disease 1 with or without ocular anomalies; Retinal arterial tortuosity; Autosomal dominant familial hematuria-retinal arteriolar tortuosity-contractures syndrome; Hemorrhage, intracerebral, susceptibility to; Microangiopathy and leukoencephalopathy, pontine, autosomal dominant. Last evaluated: 2021-08-12. Review status: criteria provided, single submitter. Criteria: ACMG Guidelines, 2015. Collection method: clinical testing. Allele origin: unknown.